The following is an entry in ClinVar:

NM_000535.7(PMS2):c.2463_2466delinsGCTC (p.Ala821_Leu822=)

Gene: PMS2 (PMS1 homolog 2, mismatch repair system component; minus strand). Cytogenetic location: 7p22.1.
Variant type: Indel.
Coding change: c.2463_2466delinsGCTC on transcript NM_000535.7 (MANE Select); coding-DNA positions 2463 to 2466, TCTT replaced by GCTC.
Protein change: p.Ala821_Leu822=.
Molecular consequence: synonymous variant. On other transcripts: non-coding transcript variant (1).
Genome position (GRCh38, 1-based): chr7:5,973,522-5,973,525, AAGA replaced by GAGC on the plus strand (TCTT replaced by GCTC on the coding strand, the reverse complement: PMS2 is on the minus strand). VCF-style: chr7-5973522-AAGA-GAGC. GRCh37 (hg19) VCF-style: chr7-6013153-AAGA-GAGC.
Other names: c.2058_2061delinsGCTC, p.Ala686_Leu687= (NM_001322003.2, NM_001322004.2, NM_001322005.2 and 11 more transcripts); c.2307_2310delinsGCTC, p.Ala769_Leu770= (NM_001322006.2); c.2145_2148delinsGCTC, p.Ala715_Leu716= (NM_001322007.2, NM_001322008.2, NM_001406883.1); c.2091_2094delinsGCTC, p.Ala697_Leu698= (NM_001322009.2, NM_001406887.1, NM_001406888.1); c.1902_1905delinsGCTC, p.Ala634_Leu635= (NM_001322010.2, NM_001406906.1, NM_001406907.1); c.1530_1533delinsGCTC, p.Ala510_Leu511= (NM_001322011.2, NM_001322012.2); c.1890_1893delinsGCTC, p.Ala630_Leu631= (NM_001322013.2, NM_001406908.1, NM_001406909.1); c.2496_2499delinsGCTC, p.Ala832_Leu833= (NM_001322014.2); and 20 more.
Identifiers: ClinVar variation 3904513 (VCV003904513.1).
Genomic context (GRCh38, chr7:5,973,522, plus strand): 5'-GTTCCAGGGGTGGTCCATCTCCCCCATGTGGGTGATCAGTTTCTTCATCTCGCTTGTGTT[AAGA>GAGC]GCAGTCCCAATCATCACCTGAGTGTGAGACACAATGGTTCAACGTTTTAGTAGTTTTTTG-3'

ClinVar aggregate classification (germline): Benign (1 of 4 stars; one submission).

Conditions:
Lynch syndrome 4 (LYNCH4). Also called: Colorectal cancer, hereditary nonpolyposis, type 4; Hereditary non-polyposis colorectal cancer, type 4. Identifiers: Orphanet 144, MedGen C1838333, MONDO:0013699, OMIM 614337. Disease mechanism: loss of function.

Submission:

Myriad Genetics, Inc.
Classification: Benign for Lynch syndrome 4. Last evaluated: 2025-02-04. Review status: criteria provided, single submitter. Criteria: Myriad Autosomal Dominant, Autosomal Recessive and X-Linked Classification Criteria (2023). Collection method: clinical testing. Allele origin: unknown.
Comment: This variant is considered benign. This variant is a silent/synonymous amino acid change and it is not expected to impact splicing.